The following is an entry in ClinVar:

NM_003201.3(TFAM):c.26G>T (p.Gly9Val)

Gene: TFAM (transcription factor A, mitochondrial; plus strand). Cytogenetic location: 10q21.1.
Variant type: single nucleotide variant.
Coding change: c.26G>T on transcript NM_003201.3 (MANE Select); coding-DNA position 26, G replaced by T.
Protein change: p.Gly9Val; replaces glycine 9 with valine.
Molecular consequence: missense variant. On other transcripts: non-coding transcript variant (1).
Genome position (GRCh38, 1-based): chr10:58,385,573, G>T. VCF-style: chr10-58385573-G-T. GRCh37 (hg19) VCF-style: chr10-60145333-G-T.
Other names: c.26G>T, p.Gly9Val (NM_001270782.2); short protein forms G9V.
Identifiers: ClinVar variation 4749138 (VCV004749138.1).

ClinVar aggregate classification (germline): Uncertain significance (1 of 4 stars; one submission).

Submission:

Labcorp Genetics (formerly Invitae), Labcorp
Classification: Uncertain significance. Last evaluated: 2026-01-11. Review status: criteria provided, single submitter. Criteria: Invitae Variant Classification Sherloc (09022015). Collection method: clinical testing. Allele origin: germline.
Comment: This sequence change replaces glycine, which is neutral and non-polar, with valine, which is neutral and non-polar, at codon 9 of the TFAM protein (p.Gly9Val). This variant is not present in population databases (gnomAD no frequency). This variant has not been reported in the literature in individuals affected with TFAM-related conditions. An algorithm developed to predict the effect of missense changes on protein structure and function (PolyPhen-2) suggests that this variant is likely to be disruptive. In summary, the available evidence is currently insufficient to determine the role of this variant in disease. Therefore, it has been classified as a Variant of Uncertain Significance.